The following is an entry in ClinVar:

NM_000492.4(CFTR):c.761A>G (p.Lys254Arg)

Gene: CFTR (CF transmembrane conductance regulator; plus strand). Cytogenetic location: 7q31.2.
Variant type: single nucleotide variant.
Coding change: c.761A>G on transcript NM_000492.4 (MANE Select); coding-DNA position 761, A replaced by G.
Protein change: p.Lys254Arg; replaces lysine 254 with arginine.
Molecular consequence: missense variant.
Genome position (GRCh38, 1-based): chr7:117,536,565, A>G. VCF-style: chr7-117536565-A-G. GRCh37 (hg19) VCF-style: chr7-117176619-A-G.
Other names: short protein forms K254R.
Identifiers: ClinVar variation 4751157 (VCV004751157.1).
Genomic context (GRCh38, chr7:117,536,565, plus strand): 5'-TTTACTATTAGATTGATTGATTGATTGATTGATTGATTTACAGAGATCAGAGAGCTGGGA[A>G]GATCAGTGAAAGACTTGTGATTACCTCAGAAATGATTGAAAATATCCAATCTGTTAAGGC-3'
Protein context (NP_000483.3, residues 244-264): MMKYRDQRAG[Lys254Arg]ISERLVITSE

ClinVar aggregate classification (germline): Uncertain significance (1 of 4 stars; one submission).

Conditions:
Cystic fibrosis (CF). Also called: MUCOVISCIDOSIS. Identifiers: Orphanet 586, MedGen C0010674, MONDO:0009061, OMIM 219700. Disease mechanism: loss of function.

gnomAD v4.1: 2 of 1,596,226 alleles (0.00013%); highest among the groups gnomAD compares: Non-Finnish European, 0.00017%; no homozygotes.

Submission:

Labcorp Genetics (formerly Invitae), Labcorp
Classification: Uncertain significance for Cystic fibrosis. Last evaluated: 2025-03-15. Review status: criteria provided, single submitter. Criteria: Invitae Variant Classification Sherloc (09022015). Collection method: clinical testing. Allele origin: germline.
Comment: This sequence change replaces lysine, which is basic and polar, with arginine, which is basic and polar, at codon 254 of the CFTR protein (p.Lys254Arg). This variant is not present in population databases (gnomAD no frequency). This variant has not been reported in the literature in individuals affected with CFTR-related conditions. Invitae Evidence Modeling of protein sequence and biophysical properties (such as structural, functional, and spatial information, amino acid conservation, physicochemical variation, residue mobility, and thermodynamic stability) has been performed for this missense variant. However, the output from this modeling did not meet the statistical confidence thresholds required to predict the impact of this variant on CFTR protein function. In summary, the available evidence is currently insufficient to determine the role of this variant in disease. Therefore, it has been classified as a Variant of Uncertain Significance.